The following is an entry in ClinVar:

NM_004168.4(SDHA):c.1625T>C (p.Leu542Pro)

Gene: SDHA (succinate dehydrogenase complex flavoprotein subunit A; plus strand). Cytogenetic location: 5p15.33.
Variant type: single nucleotide variant.
Coding change: c.1625T>C on transcript NM_004168.4 (MANE Select); coding-DNA position 1625, T replaced by C.
Protein change: p.Leu542Pro; replaces leucine 542 with proline.
Molecular consequence: missense variant. On other transcripts: intron variant (1).
Genome position (GRCh38, 1-based): chr5:251,065, T>C. VCF-style: chr5-251065-T-C. GRCh37 (hg19) VCF-style: chr5-251180-T-C.
Other names: c.1481T>C, p.Leu494Pro (NM_001294332.2); c.1552-3328T>C (NM_001330758.2); short protein forms L494P, L542P.
Identifiers: ClinVar variation 1034054 (VCV001034054.15), dbSNP rs1233761838, ClinGen allele CA358998689.

ClinVar aggregate classification (germline): Uncertain significance. Review status: criteria provided, multiple submitters, no conflicts (2 of 4 stars). 3 submissions from 3 submitters: Uncertain significance (3). Last evaluated 2026-01-04.

Conditions:
Hereditary cancer-predisposing syndrome. Also called: Tumor predisposition; Hereditary neoplastic syndrome; Neoplastic Syndromes, Hereditary; Hereditary Cancer Syndrome. Identifiers: Orphanet 140162, MedGen C0027672, MeSH D009386, MONDO:0015356.
Mitochondrial complex II deficiency, nuclear type 1. Also called: SUCCINATE CoQ REDUCTASE DEFICIENCY. Identifiers: Orphanet 3208, MedGen C5700310, MONDO:0100294, OMIM 252011.
Pheochromocytoma/paraganglioma syndrome 5. Also called: Paragangliomas 5; SDHA-Related Hereditary Paraganglioma-Pheochromocytoma Syndrome. Identifiers: Orphanet 29072, MedGen C3279992, MONDO:0013602, OMIM 614165.
Dilated cardiomyopathy 1GG (CMD1GG). Identifiers: Orphanet 154, MedGen C3150898, MONDO:0013339, OMIM 613642.

Allele frequency attached by ClinVar (database versions not stated): gnomAD exomes below 0.00001; TOPMed below 0.00001.
gnomAD v4.1: 1 of 1,611,982 alleles (0.000062%); highest among the groups gnomAD compares: Non-Finnish European, 0.000085%; no homozygotes.

Submissions (3):

Labcorp Genetics (formerly Invitae), Labcorp
Classification: Uncertain significance for Pheochromocytoma/paraganglioma syndrome 5; Mitochondrial complex II deficiency, nuclear type 1. Last evaluated: 2026-01-04. Review status: criteria provided, single submitter. Criteria: Invitae Variant Classification Sherloc (09022015). Collection method: clinical testing. Allele origin: germline.
Comment: This sequence change replaces leucine, which is neutral and non-polar, with proline, which is neutral and non-polar, at codon 542 of the SDHA protein (p.Leu542Pro). This variant is present in population databases (no rsID available, gnomAD 0.003%). This variant has not been reported in the literature in individuals affected with SDHA-related conditions. ClinVar contains an entry for this variant (Variation ID: 1034054). Invitae Evidence Modeling of protein sequence and biophysical properties (such as structural, functional, and spatial information, amino acid conservation, physicochemical variation, residue mobility, and thermodynamic stability) has been performed for this missense variant. However, the output from this modeling did not meet the statistical confidence thresholds required to predict the impact of this variant on SDHA protein function. In summary, the available evidence is currently insufficient to determine the role of this variant in disease. Therefore, it has been classified as a Variant of Uncertain Significance.

Ambry Genetics
Classification: Uncertain significance for Hereditary cancer-predisposing syndrome. Last evaluated: 2024-04-16. Review status: criteria provided, single submitter. Criteria: Ambry Variant Classification Scheme 2023. Collection method: clinical testing. Allele origin: germline.
Comment: The p.L542P variant (also known as c.1625T>C), located in coding exon 12 of the SDHA gene, results from a T to C substitution at nucleotide position 1625. The leucine at codon 542 is replaced by proline, an amino acid with similar properties. This amino acid position is well conserved in available vertebrate species. In addition, this alteration is predicted to be deleterious by in silico analysis. Based on the available evidence, the clinical significance of this variant remains unclear.

Baylor Genetics
Classification: Uncertain significance for Dilated cardiomyopathy 1GG. Last evaluated: 2018-03-22. Review status: criteria provided, single submitter. Criteria: ACMG Guidelines, 2015. Collection method: clinical testing. Allele origin: paternal. Affected: yes.
Comment: This variant was determined to be of uncertain significance according to ACMG Guidelines, 2015 [PMID:25741868].